The following is an entry in ClinVar:

NM_000094.4(COL7A1):c.4451T>C (p.Phe1484Ser)

Gene: COL7A1 (collagen type VII alpha 1 chain; minus strand). Cytogenetic location: 3p21.31.
Variant type: single nucleotide variant.
Coding change: c.4451T>C on transcript NM_000094.4 (MANE Select); coding-DNA position 4451, T replaced by C.
Protein change: p.Phe1484Ser; replaces phenylalanine 1484 with serine.
Molecular consequence: missense variant.
Genome position (GRCh38, 1-based): chr3:48,583,158, A>G on the plus strand (T>C on the coding strand, the complement: COL7A1 is on the minus strand). VCF-style: chr3-48583158-A-G. GRCh37 (hg19) VCF-style: chr3-48620591-A-G.
Other names: short protein forms F1484S.
Identifiers: ClinVar variation 2856234 (VCV002856234.3), dbSNP rs2044902884, ClinGen allele CA352691338.
Genomic context (GRCh38, chr3:48,583,158, plus strand): 5'-GCCCTTGGCACCCCCCAGGTTGCACTTACCTTCTCTCCAGCCTCACCCAGGGGCCCTGGA[A>G]AGCCCCGGTCACCCTGAAGAGAGAGGGTGAGAGAAAGACAGAGAGAGAGAGGGTTGGTGG-3'
Protein context (NP_000085.1, residues 1474-1494): GAIGPKGDRG[Phe1484Ser]PGPLGEAGEK

ClinVar aggregate classification (germline): Uncertain significance (1 of 4 stars; one submission).

Allele frequency attached by ClinVar (database versions not stated): TOPMed below 0.00001.
gnomAD v4.1: 1 of 1,613,808 alleles (0.000062%); no homozygotes.

Submission:

Labcorp Genetics (formerly Invitae), Labcorp
Classification: Uncertain significance. Last evaluated: 2023-04-24. Review status: criteria provided, single submitter. Criteria: Invitae Variant Classification Sherloc (09022015). Collection method: clinical testing. Allele origin: germline.
Comment: This sequence change replaces phenylalanine, which is neutral and non-polar, with serine, which is neutral and polar, at codon 1484 of the COL7A1 protein (p.Phe1484Ser). In summary, the available evidence is currently insufficient to determine the role of this variant in disease. Therefore, it has been classified as a Variant of Uncertain Significance. Advanced modeling of protein sequence and biophysical properties (such as structural, functional, and spatial information, amino acid conservation, physicochemical variation, residue mobility, and thermodynamic stability) performed at Invitae indicates that this missense variant is not expected to disrupt COL7A1 protein function. This variant has not been reported in the literature in individuals affected with COL7A1-related conditions. This variant is not present in population databases (gnomAD no frequency).